The following is an entry in ClinVar:

NM_000399.5(EGR2):c.65C>G (p.Ser22Cys)

Gene: EGR2 (early growth response 2; minus strand). Cytogenetic location: 10q21.3.
Variant type: single nucleotide variant.
Coding change: c.65C>G on transcript NM_000399.5 (MANE Select); coding-DNA position 65, C replaced by G.
Protein change: p.Ser22Cys; replaces serine 22 with cysteine.
Molecular consequence: missense variant. On other transcripts: 5 prime UTR variant (2).
Genome position (GRCh38, 1-based): chr10:62,815,965, G>C on the plus strand (C>G on the coding strand, the complement: EGR2 is on the minus strand). VCF-style: chr10-62815965-G-C. GRCh37 (hg19) VCF-style: chr10-64575725-G-C.
Other names: c.65C>G, p.Ser22Cys (NM_001136177.3, NM_001136178.2); c.-86C>G (NM_001136179.3, NM_001321037.2); c.104C>G, p.Ser35Cys (NM_001410931.1); short protein forms S22C, S35C.
Identifiers: ClinVar variation 1719686 (VCV001719686.5), dbSNP rs2492308574, ClinGen allele CA377034403.
Genomic context (GRCh38, chr10:62,815,965, plus strand): 5'-GCATTGGGAAAGATGGTCACCGACGTGGCGGCGAGGTCCTCCACCGGGTAGATGTTGTCA[G>C]ACAGCTGGTGCACAAAACCACTGAGAGTTACTGGGATTTTGTCTACGGCCTTGGCGGTCA-3'
Protein context (NP_000390.2, residues 12-32): VTLSGFVHQL[Ser22Cys]DNIYPVEDLA

ClinVar aggregate classification (germline): Uncertain significance (1 of 4 stars; one submission).

Conditions:
Charcot-Marie-Tooth disease, type I (CMT1). Also called: Charcot-Marie-Tooth disease type 1; Charcot-Marie-Tooth, Type 1. Identifiers: Orphanet 65753, MedGen C0751036, MONDO:0019011.

Submission:

Labcorp Genetics (formerly Invitae), Labcorp
Classification: Uncertain significance for Charcot-Marie-Tooth disease, type I. Last evaluated: 2023-02-23. Review status: criteria provided, single submitter. Criteria: Invitae Variant Classification Sherloc (09022015). Collection method: clinical testing. Allele origin: germline.
Comment: ClinVar contains an entry for this variant (Variation ID: 1719686). In summary, the available evidence is currently insufficient to determine the role of this variant in disease. Therefore, it has been classified as a Variant of Uncertain Significance. Advanced modeling of protein sequence and biophysical properties (such as structural, functional, and spatial information, amino acid conservation, physicochemical variation, residue mobility, and thermodynamic stability) has been performed at Invitae for this missense variant, however the output from this modeling did not meet the statistical confidence thresholds required to predict the impact of this variant on EGR2 protein function. This variant has not been reported in the literature in individuals affected with EGR2-related conditions. This variant is not present in population databases (gnomAD no frequency). This sequence change replaces serine, which is neutral and polar, with cysteine, which is neutral and slightly polar, at codon 22 of the EGR2 protein (p.Ser22Cys).